The following is an entry in ClinVar:

NM_012471.3(TRPC5):c.366C>T (p.Ser122=)

Gene: TRPC5 (transient receptor potential cation channel subfamily C member 5; minus strand). Cytogenetic location: Xq23.
Variant type: single nucleotide variant.
Coding change: c.366C>T on transcript NM_012471.3 (MANE Select); coding-DNA position 366, C replaced by T.
Protein change: p.Ser122=; no amino-acid change (serine 122 retained).
Molecular consequence: synonymous variant.
Genome position (GRCh38, 1-based): chrX:111,952,055, G>A on the plus strand (C>T on the coding strand, the complement: TRPC5 is on the minus strand). VCF-style: chrX-111952055-G-A. GRCh37 (hg19) VCF-style: chrX-111195283-G-A.
Identifiers: ClinVar variation 3350720 (VCV003350720.1).

ClinVar aggregate classification (germline): Likely benign (0 of 4 stars; one submission).

Conditions:
TRPC5-related disorder. Also called: TRPC5-related condition.

gnomAD v4.1: 32 of 1,204,869 alleles (0.0027%); highest among the groups gnomAD compares: South Asian, 0.0053%; no homozygotes.

Submission:

PreventionGenetics, part of Exact Sciences
Classification: Likely benign for TRPC5-related condition. Last evaluated: 2024-05-15. Review status: no assertion criteria provided. Collection method: clinical testing. Allele origin: germline.
Comment: This variant is classified as likely benign based on ACMG/AMP sequence variant interpretation guidelines (Richards et al. 2015 PMID: 25741868, with internal and published modifications).